The following is an entry in ClinVar:

ClinVar aggregate classification (germline): Benign/Likely benign. Review status: criteria provided, multiple submitters, no conflicts (2 of 4 stars). 12 submissions from 12 submitters: Benign (7); Likely benign (4). 1 of the submissions does not count toward it. Last evaluated 2026-08-01.

Conditions:
FGD4-related disorder. Also called: FGD4-related condition.
Charcot-Marie-Tooth disease. Also called: Charcot-Marie-Tooth Hereditary Neuropathy; Charcot-Marie-Tooth Neuropathy. Identifiers: Orphanet 166, MedGen C0007959, MONDO:0015626.
Inborn genetic diseases. Identifiers: MedGen C0950123, MeSH D030342.
Charcot-Marie-Tooth disease type 4. Also called: Charcot-Marie-Tooth disease, type IV; Charcot-Marie-Tooth, Type 4. Identifiers: Orphanet 64749, MedGen C4082197, MONDO:0018995.
Charcot-Marie-Tooth disease type 4H (CMT4H). Also called: CHARCOT-MARIE-TOOTH DISEASE, DEMYELINATING, TYPE 4H; CHARCOT-MARIE-TOOTH DISEASE, AUTOSOMAL RECESSIVE, TYPE 4H; CHARCOT-MARIE-TOOTH DISEASE, DEMYELINATING, AUTOSOMAL RECESSIVE, TYPE 4H; CHARCOT-MARIE-TOOTH NEUROPATHY, TYPE 4H. Identifiers: Orphanet 99954, MedGen C1836336, MONDO:0012250, OMIM 609311.

Allele frequency attached by ClinVar (database versions not stated): 1000 Genomes Project 30x 0.00328; 1000 Genomes Project 0.00339; TOPMed 0.00521; gnomAD 0.00526; ESP Exome Variant Server 0.00623.
gnomAD v4.1: 13,643 of 1,613,006 alleles (0.85%); highest among the groups gnomAD compares: Non-Finnish European, 1%; 74 homozygotes.

Submissions (12):

CeGaT Center for Human Genetics Tuebingen
Classification: Likely benign. Last evaluated: 2026-08-01. Review status: criteria provided, single submitter. Criteria: CeGaT Center For Human Genetics Tuebingen Variant Classification Criteria Version 2. Collection method: clinical testing. Allele origin: germline. Affected: yes. Observed: 29 variant alleles.
Comment: FGD4: BP4, BP7, BS2

Labcorp Genetics (formerly Invitae), Labcorp
Classification: Benign for Charcot-Marie-Tooth disease type 4. Last evaluated: 2026-02-03. Review status: criteria provided, single submitter. Criteria: Invitae Variant Classification Sherloc (09022015). Collection method: clinical testing. Allele origin: germline.

ARUP Laboratories, Molecular Genetics and Genomics, ARUP Laboratories
Classification: Benign for Charcot-Marie-Tooth disease type 4H. Last evaluated: 2025-04-21. Review status: criteria provided, single submitter. Criteria: ARUP Molecular Germline Variant Investigation Process 2024. Collection method: clinical testing. Allele origin: germline.

Ambry Genetics
Classification: Likely benign for Inborn genetic diseases. Last evaluated: 2019-07-11. Review status: criteria provided, single submitter. Criteria: Ambry Variant Classification Scheme 2023. Collection method: clinical testing. Allele origin: germline.

Illumina Laboratory Services, Illumina
Classification: Likely benign for Charcot-Marie-Tooth disease type 4H. Last evaluated: 2018-01-13. Review status: criteria provided, single submitter. Criteria: ICSL Variant Classification Criteria 13 December 2019. Collection method: clinical testing. Allele origin: germline.
Comment: This variant was observed in the ICSL laboratory as part of a predisposition screen in an ostensibly healthy population. It had not been previously curated by ICSL or reported in the Human Gene Mutation Database (HGMD: prior to June 1st, 2018), and was therefore a candidate for classification through an automated scoring system. Utilizing variant allele frequency, disease prevalence and penetrance estimates, and inheritance mode, an automated score was calculated to assess if this variant is too frequent to cause the disease. Based on the score and internal cut-off values, a variant classified as likely benign is not then subjected to further curation. The score for this variant resulted in a classification of likely benign for this disease.

Athena Diagnostics
Classification: Benign. Last evaluated: 2017-07-12. Review status: criteria provided, single submitter. Criteria: Athena Diagnostics Criteria. Collection method: clinical testing. Allele origin: germline.

Mayo Clinic Laboratories, Mayo Clinic
Classification: Benign. Last evaluated: 2017-03-10. Review status: criteria provided, single submitter. Criteria: ACMG Guidelines, 2015. Collection method: clinical testing. Allele origin: germline. Observed: 39 variant alleles.

Eurofins Ntd Llc (ga)
Classification: Benign. Last evaluated: 2015-03-04. Review status: criteria provided, single submitter. Criteria: EGL Classification Definitions 2015. Collection method: clinical testing. Allele origin: germline. Observed: 1 variant allele, 1 heterozygote.

GeneDx
Classification: Benign. Last evaluated: 2015-03-03. Review status: criteria provided, single submitter. Criteria: GeneDx Variant Classification Process June 2021. Collection method: clinical testing. Allele origin: germline. Affected: yes.

Breakthrough Genomics
Classification: Likely benign. Review status: criteria provided, single submitter. Criteria: ACMG Guidelines, 2015. Collection method: not provided. Allele origin: germline. Inheritance: Autosomal recessive inheritance. Affected: yes.

Molecular Genetics Laboratory, London Health Sciences Centre
Classification: Benign for Charcot-Marie-Tooth disease. Review status: criteria provided, single submitter. Criteria: ACMG Guidelines, 2015. Collection method: clinical testing. Allele origin: germline. Affected: yes.

PreventionGenetics, part of Exact Sciences
Classification: Benign for FGD4-related condition. Last evaluated: 2022-10-03. Review status: no assertion criteria provided. Collection method: clinical testing. Allele origin: germline. Not counted in ClinVar's aggregate classification.
Comment: This variant is classified as benign based on ACMG/AMP sequence variant interpretation guidelines (Richards et al. 2015 PMID: 25741868, with internal and published modifications).

NM_001370298.3(FGD4):c.1971C>T (p.Ile657=)

Gene: FGD4 (FYVE, RhoGEF and PH domain containing 4; plus strand). Cytogenetic location: 12p11.21.
Variant type: single nucleotide variant.
Coding change: c.1971C>T on transcript NM_001370298.3 (MANE Select); coding-DNA position 1971, C replaced by T.
Protein change: p.Ile657=; no amino-acid change (isoleucine 657 retained).
Molecular consequence: synonymous variant.
Genome position (GRCh38, 1-based): chr12:32,624,993, C>T. VCF-style: chr12-32624993-C-T. GRCh37 (hg19) VCF-style: chr12-32777927-C-T.
Other names: p.Ile520=; c.1815C>T, p.Ile605= (NM_001304481.2); c.816C>T, p.Ile272= (NM_001304483.2); c.528C>T, p.Ile176= (NM_001304484.2); c.1281C>T, p.Ile427= (NM_001330373.2, NM_001330374.2, NM_001384130.1); c.1008C>T, p.Ile336= (NM_001370297.1); c.1971C>T, p.Ile657= (NM_001384126.1); c.1560C>T, p.Ile520= (NM_001384127.1, NM_001384128.1, NM_001385118.1 and 1 more transcripts).
Identifiers: ClinVar variation 194280 (VCV000194280.74), dbSNP rs61748364, ClinGen allele CA201093.